The following is an entry in ClinVar:

ClinVar aggregate classification (germline): Likely benign. Review status: criteria provided, multiple submitters, no conflicts (2 of 4 stars). 3 submissions from 3 submitters: Likely benign (3). Last evaluated 2025-09-11.

Conditions:
MYO7A-related disorder. Also called: MYO7A-related disorders.

Allele frequency attached by ClinVar (database versions not stated): TOPMed 0.00002.
gnomAD v4.1: 4 of 1,532,682 alleles (0.00026%); highest among the groups gnomAD compares: Admixed American, 0.002%; no homozygotes.

Submissions (3):

PreventionGenetics, part of Exact Sciences
Classification: Likely benign for MYO7A-related condition. Last evaluated: 2025-09-11. Review status: criteria provided, single submitter. Criteria: ACMG Guidelines, 2015. Collection method: clinical testing. Allele origin: germline.
Comment: This variant is classified as likely benign based on ACMG/AMP sequence variant interpretation guidelines (Richards et al. 2015 PMID: 25741868, with internal and published modifications).

Labcorp Genetics (formerly Invitae), Labcorp
Classification: Likely benign. Last evaluated: 2024-10-21. Review status: criteria provided, single submitter. Criteria: Invitae Variant Classification Sherloc (09022015). Collection method: clinical testing. Allele origin: germline.

Blueprint Genetics
Classification: Likely benign. Last evaluated: 2020-06-11. Review status: criteria provided, single submitter. Criteria: ACMG Guidelines, 2015. Collection method: clinical testing. Allele origin: germline.

NM_000260.4(MYO7A):c.2553C>T (p.Ile851=)

Gene: MYO7A (myosin VIIA; plus strand). Cytogenetic location: 11q13.5.
Variant type: single nucleotide variant.
Coding change: c.2553C>T on transcript NM_000260.4 (MANE Select); coding-DNA position 2553, C replaced by T.
Protein change: p.Ile851=; no amino-acid change (isoleucine 851 retained).
Molecular consequence: synonymous variant.
Genome position (GRCh38, 1-based): chr11:77,179,920, C>T. VCF-style: chr11-77179920-C-T. GRCh37 (hg19) VCF-style: chr11-76890966-C-T.
Other names: c.2553C>T, p.Ile851= (NM_001127180.2); c.2520C>T, p.Ile840= (NM_001369365.1).
Identifiers: ClinVar variation 794128 (VCV000794128.9), dbSNP rs986413500, ClinGen allele CA475795046.
Genomic context (GRCh38, chr11:77,179,920, plus strand): 5'-GGCCTTCCGCCACCGCCTCTGGGCTGTGCTCACCGTGCAGGCCTATGCCCGGGGCATGAT[C>T]GCCCGCAGGCTGCACCAACGCCTCAGGGCTGAGGTGAGGGAGCAAGTCCATAGCACCCAC-3'
Protein context (NP_000251.3, residues 841-861): LTVQAYARGM[Ile851=]ARRLHQRLRA